The following is an entry in ClinVar:

NM_001330.5(CTF1):c.464C>G (p.Pro155Arg)

Genes: CTF1 (cardiotrophin 1; plus strand), LOC130058878 (ATAC-STARR-seq lymphoblastoid silent region 7400; plus strand). Cytogenetic location: 16p11.2.
Variant type: single nucleotide variant.
Coding change: c.464C>G on transcript NM_001330.5 (MANE Select); coding-DNA position 464, C replaced by G.
Protein change: p.Pro155Arg; replaces proline 155 with arginine.
Molecular consequence: missense variant. On other transcripts: non-coding transcript variant (1).
Genome position (GRCh38, 1-based): chr16:30,902,397, C>G. VCF-style: chr16-30902397-C-G. GRCh37 (hg19) VCF-style: chr16-30913718-C-G.
Other names: c.461C>G, p.Pro154Arg (NM_001142544.3); short protein forms P154R, P155R.
Identifiers: ClinVar variation 2068938 (VCV002068938.4), dbSNP rs779426091, ClinGen allele CA395619307.

ClinVar aggregate classification (germline): Uncertain significance (1 of 4 stars; one submission).

Allele frequency attached by ClinVar (database versions not stated): TOPMed 0.00002.

Submission:

Labcorp Genetics (formerly Invitae), Labcorp
Classification: Uncertain significance. Last evaluated: 2025-09-10. Review status: criteria provided, single submitter. Criteria: Invitae Variant Classification Sherloc (09022015). Collection method: clinical testing. Allele origin: germline.
Comment: This sequence change replaces proline, which is neutral and non-polar, with arginine, which is basic and polar, at codon 155 of the CTF1 protein (p.Pro155Arg). This variant is not present in population databases (gnomAD no frequency). This variant has not been reported in the literature in individuals affected with CTF1-related conditions. ClinVar contains an entry for this variant (Variation ID: 2068938). An algorithm developed to predict the effect of missense changes on protein structure and function (PolyPhen-2) suggests that this variant is likely to be tolerated. In summary, the available evidence is currently insufficient to determine the role of this variant in disease. Therefore, it has been classified as a Variant of Uncertain Significance.